The following is an entry in ClinVar:

ClinVar aggregate classification (germline): Uncertain significance (1 of 4 stars; one submission).

Conditions:
Hypertrophic cardiomyopathy 26. Also called: Cardiomyopathy, familial hypertrophic, 26. Identifiers: Orphanet 75249, MedGen C4310749, MONDO:0014883, OMIM 617047.
Myofibrillar myopathy 5. Also called: Filaminopathy (type); FILAMINOPATHY, AUTOSOMAL DOMINANT. Identifiers: Orphanet 171445, MedGen C1836050, MONDO:0012289, OMIM 609524.
Distal myopathy with posterior leg and anterior hand involvement. Also called: WILLIAMS DISTAL MYOPATHY. Identifiers: Orphanet 63273, MedGen C3279722, MONDO:0013550, OMIM 614065.

gnomAD v4.1: 1 of 1,554,408 alleles (0.000064%); no homozygotes.

Submission:

Labcorp Genetics (formerly Invitae), Labcorp
Classification: Uncertain significance for Distal myopathy with posterior leg and anterior hand involvement; Myofibrillar myopathy 5; Hypertrophic cardiomyopathy 26. Last evaluated: 2024-04-12. Review status: criteria provided, single submitter. Criteria: Invitae Variant Classification Sherloc (09022015). Collection method: clinical testing. Allele origin: germline.
Comment: This sequence change replaces threonine, which is neutral and polar, with isoleucine, which is neutral and non-polar, at codon 785 of the FLNC protein (p.Thr785Ile). This variant is present in population databases (no rsID available, gnomAD 0.002%). This variant has not been reported in the literature in individuals affected with FLNC-related conditions. Advanced modeling of protein sequence and biophysical properties (such as structural, functional, and spatial information, amino acid conservation, physicochemical variation, residue mobility, and thermodynamic stability) has been performed at Invitae for this missense variant, however the output from this modeling did not meet the statistical confidence thresholds required to predict the impact of this variant on FLNC protein function. In summary, the available evidence is currently insufficient to determine the role of this variant in disease. Therefore, it has been classified as a Variant of Uncertain Significance.

NM_001458.5(FLNC):c.2354C>T (p.Thr785Ile)

Gene: FLNC (filamin C; plus strand). Cytogenetic location: 7q32.1.
Variant type: single nucleotide variant.
Coding change: c.2354C>T on transcript NM_001458.5 (MANE Select); coding-DNA position 2354, C replaced by T.
Protein change: p.Thr785Ile; replaces threonine 785 with isoleucine.
Molecular consequence: missense variant.
Genome position (GRCh38, 1-based): chr7:128,842,663, C>T. VCF-style: chr7-128842663-C-T. GRCh37 (hg19) VCF-style: chr7-128482717-C-T.
Other names: c.2354C>T, p.Thr785Ile (NM_001127487.2); short protein forms T785I.
Identifiers: ClinVar variation 3763076 (VCV003763076.2).